The following is an entry in ClinVar:

NM_033026.6(PCLO):c.3176G>T (p.Cys1059Phe)

Gene: PCLO (piccolo presynaptic cytomatrix protein; minus strand). Cytogenetic location: 7q21.11.
Variant type: single nucleotide variant.
Coding change: c.3176G>T on transcript NM_033026.6 (MANE Select); coding-DNA position 3176, G replaced by T.
Protein change: p.Cys1059Phe; replaces cysteine 1059 with phenylalanine.
Molecular consequence: missense variant.
Genome position (GRCh38, 1-based): chr7:83,134,374, C>A on the plus strand (G>T on the coding strand, the complement: PCLO is on the minus strand). VCF-style: chr7-83134374-C-A. GRCh37 (hg19) VCF-style: chr7-82763690-C-A.
Other names: c.3176G>T, p.Cys1059Phe (NM_014510.3); short protein forms C1059F.
Identifiers: ClinVar variation 2125253 (VCV002125253.4), dbSNP rs779314688, ClinGen allele CA4321127.

ClinVar aggregate classification (germline): Uncertain significance (1 of 4 stars; one submission).

gnomAD v4.1: 1 of 1,613,628 alleles (0.000062%); highest among the groups gnomAD compares: South Asian, 0.0011%; no homozygotes.

Submission:

Labcorp Genetics (formerly Invitae), Labcorp
Classification: Uncertain significance. Last evaluated: 2022-04-12. Review status: criteria provided, single submitter. Criteria: Invitae Variant Classification Sherloc (09022015). Collection method: clinical testing. Allele origin: germline.
Comment: In summary, the available evidence is currently insufficient to determine the role of this variant in disease. Therefore, it has been classified as a Variant of Uncertain Significance. Algorithms developed to predict the effect of missense changes on protein structure and function are either unavailable or do not agree on the potential impact of this missense change (SIFT: "Deleterious"; PolyPhen-2: "Not Available"; Align-GVGD: "Class C0"). This variant has not been reported in the literature in individuals affected with PCLO-related conditions. This variant is present in population databases (rs779314688, gnomAD 0.003%). This sequence change replaces cysteine, which is neutral and slightly polar, with phenylalanine, which is neutral and non-polar, at codon 1059 of the PCLO protein (p.Cys1059Phe).